The following is an entry in ClinVar:

ClinVar aggregate classification (germline): Pathogenic. Review status: criteria provided, multiple submitters, no conflicts (2 of 4 stars). 9 submissions from 9 submitters: Pathogenic (7). 2 of the submissions do not count toward it. Last evaluated 2025-09-16.

Conditions:
PKHD1-related disorder. Also called: PKHD1-related condition.
Polycystic kidney disease 4 (PKD4). Also called: Autosomal Recessive Polycystic Kidney Disease – PKHD1; POLYCYSTIC KIDNEY DISEASE 4 WITH OR WITHOUT POLYCYSTIC LIVER DISEASE; POLYCYSTIC KIDNEY AND HEPATIC DISEASE 1; POLYCYSTIC KIDNEY DISEASE, INFANTILE, TYPE I; PKD3. Identifiers: MedGen C4540575, MONDO:0033004, OMIM 263200.
Autosomal recessive polycystic kidney disease (ARPKD). Also called: AR polycystic kidney disease. Identifiers: Orphanet 731, Orphanet 8378, MedGen C0085548, MeSH D017044, MONDO:0009889.

Allele frequency attached by ClinVar (database versions not stated): TOPMed below 0.00001; gnomAD exomes 0.00004 and 0.00001; gnomAD 0.00001 and 0.00002; 1000 Genomes Project 30x 0.00047; 1000 Genomes Project 0.00040; ExAC 0.00005.
gnomAD v4.1: 18 of 1,613,488 alleles (0.0011%); highest among the groups gnomAD compares: South Asian, 0.0099%; no homozygotes.

Submissions (9):

Natera, Inc.
Classification: Pathogenic for Autosomal recessive polycystic kidney disease. Last evaluated: 2025-09-16. Review status: criteria provided, single submitter. Criteria: Natera Variant Classification Schema (03/2026). Collection method: clinical testing. Allele origin: germline.
Comment: The c.8011C>T variant in PKHD1 is a nonsense variant predicted to introduce a stop codon at amino acid 2671. This variant is expected to result in nonsense mediated decay, truncation, or a dysfunctional protein product. This variant is rare in the general population with a frequency below the threshold expected for the associated phenotype(s). This variant has been observed in one or more individuals affected with the associated recessive disease, as either homozygous or compound heterozygous with a second variant (PMID: 11919560, 27225849). Additionally, this variant has been observed to segregate in affected family members (PMID: 11919560). Given the available evidence, this variant is classified as Pathogenic.

Labcorp Genetics (formerly Invitae), Labcorp
Classification: Pathogenic for Autosomal recessive polycystic kidney disease. Last evaluated: 2024-09-24. Review status: criteria provided, single submitter. Criteria: Invitae Variant Classification Sherloc (09022015). Collection method: clinical testing. Allele origin: germline.
Comment: This sequence change creates a premature translational stop signal (p.Arg2671*) in the PKHD1 gene. It is expected to result in an absent or disrupted protein product. Loss-of-function variants in PKHD1 are known to be pathogenic (PMID: 19940839). This variant is present in population databases (rs137852947, gnomAD 0.03%). This premature translational stop signal has been observed in individuals with PKHD1-related conditions (PMID: 11919560, 26695994, 27225849, 28364132). It has also been observed to segregate with disease in related individuals. ClinVar contains an entry for this variant (Variation ID: 4112). Algorithms developed to predict the effect of sequence changes on RNA splicing suggest that this variant may disrupt the consensus splice site. For these reasons, this variant has been classified as Pathogenic.

GeneDx
Classification: Pathogenic. Last evaluated: 2023-12-05. Review status: criteria provided, single submitter. Criteria: GeneDx Variant Classification Process June 2021. Collection method: clinical testing. Allele origin: germline. Affected: yes.
Comment: Nonsense variant predicted to result in protein truncation or nonsense mediated decay in a gene for which loss of function is a known mechanism of disease; This variant is associated with the following publications: (PMID: 25525159, 26695994, 12846734, 27225849, 28364132, 30650191, 32055034, 30275481, 34645488, 31328266, 16523049, 11919560, 35812281, 34536170)

Victorian Clinical Genetics Services, Murdoch Childrens Research Institute
Classification: Pathogenic for Polycystic kidney disease 4. Last evaluated: 2023-07-17. Review status: criteria provided, single submitter. Criteria: ACMG Guidelines, 2015. Collection method: clinical testing. Allele origin: germline. Inheritance: Autosomal recessive inheritance. Affected: yes.
Comment: Based on the classification scheme VCGS_Germline_v1.3.4, this variant is classified as Pathogenic. Following criteria are met: 0102 - Loss of function is a known mechanism of disease in this gene and is associated with polycystic kidney disease 4, with or without hepatic disease (MIM#263200). (I) 0106 - This gene is associated with autosomal recessive disease, however there are emerging reports of heterozygous carriers of PKHD1 variants developing liver cysts and nephrocalcinosis (PMID: 21945273). (I) 0115 - Variants in this gene are known to have variable expressivity. Significant intra-familial variability has been reported (PMID: 20301501). (I) 0201 - Variant is predicted to cause nonsense-mediated decay (NMD) and loss of protein (premature termination codon is located at least 54 nucleotides upstream of the final exon-exon junction). (SP) 0251 - This variant is heterozygous. (I) 0304 - Variant is present in gnomAD (v2 and v3) <0.01 (11 heterozygotes, 0 homozygotes). (SP) 0701 - Other NMD predicted variants comparable to the one identified in this case have very strong previous evidence for pathogenicity (DECIPHER). (SP) 0801 - This variant has strong previous evidence of pathogenicity in unrelated individuals. This variant has been classified as pathogenic by multiple clinical laboratories in ClinVar, and has been observed as compound heterozygous with other PKHD1 variants in at least two families with ARPKD (PMIDs: 28364132, 11919560) (SP) 1208 - Inheritance information for this variant is not currently available in this individual. (I) Legend: (SP) - Supporting pathogenic, (I) - Information, (SB) - Supporting benign

Revvity Omics, Revvity
Classification: Pathogenic for Polycystic kidney disease 4. Last evaluated: 2022-03-17. Review status: criteria provided, single submitter. Criteria: ACMG Guidelines, 2015. Collection method: clinical testing. Allele origin: germline.

Women's Health and Genetics/Laboratory Corporation of America, LabCorp
Classification: Pathogenic for Autosomal recessive polycystic kidney disease. Last evaluated: 2020-01-20. Review status: criteria provided, single submitter. Criteria: LabCorp Variant Classification Summary - May 2015. Collection method: clinical testing. Allele origin: germline.
Comment: Variant summary: PKHD1 c.8011C>T (p.Arg2671X) results in a premature termination codon, predicted to cause a truncation of the encoded protein or absence of the protein due to nonsense mediated decay, which are commonly known mechanisms for disease. The variant allele was found at a frequency of 3.6e-05 in 251182 control chromosomes (gnomAD). c.8011C>T has been reported in the literature in multiple individuals affected with Polycystic Kidney and Hepatic Disease (e.g. Ward_2002, Obeidova_2015, Melchionda_2016). These data indicate that the variant is very likely to be associated with disease. To our knowledge, no experimental evidence demonstrating an impact on protein function has been reported. One clinical diagnostic laboratory has submitted clinical-significance assessments for this variant to ClinVar after 2014 and classified the variant as pathogenic. Based on the evidence outlined above, the variant was classified as pathogenic.

Baylor Genetics
Classification: Pathogenic for Polycystic kidney disease 4. Review status: criteria provided, single submitter. Criteria: ACMG Guidelines, 2015. Collection method: clinical testing. Allele origin: germline.

PreventionGenetics, part of Exact Sciences
Classification: Pathogenic for PKHD1-related condition. Last evaluated: 2024-07-30. Review status: no assertion criteria provided. Collection method: clinical testing. Allele origin: germline. Not counted in ClinVar's aggregate classification.
Comment: The PKHD1 c.8011C>T variant is predicted to result in premature protein termination (p.Arg2671*). This variant has been widely reported in individuals with autosomal recessive polycystic kidney disease (ARPKD) (see for example, Ebner et al. 2017. PubMed ID: 28364132; Ishiko et al. 2021. PubMed ID: 34536170). This variant is reported in 0.026% of alleles in individuals of South Asian descent in gnomAD. Nonsense variants in PKHD1 are expected to be pathogenic. This variant is interpreted as pathogenic.

OMIM
Classification: Pathogenic for POLYCYSTIC KIDNEY DISEASE 4. Last evaluated: 2002-03-01. Review status: no assertion criteria provided. Collection method: literature only. Allele origin: germline. Not counted in ClinVar's aggregate classification.

Literature cited by the submitters: PubMed 11919560 (cited by 5 submitters); PubMed 27225849 (cited by 3 submitters); PubMed 19940839 (cited by Labcorp Genetics (formerly Invitae), Labcorp); PubMed 26695994 (cited by Labcorp Genetics (formerly Invitae), Labcorp and Women's Health and Genetics/Laboratory Corporation of America, LabCorp); PubMed 28364132 (cited by Labcorp Genetics (formerly Invitae), Labcorp and Victorian Clinical Genetics Services, Murdoch Childrens Research Institute); PubMed 20301501 (cited by Victorian Clinical Genetics Services, Murdoch Childrens Research Institute); PubMed 21945273 (cited by Victorian Clinical Genetics Services, Murdoch Childrens Research Institute).

NM_138694.4(PKHD1):c.8011C>T (p.Arg2671Ter)

Gene: PKHD1 (PKHD1 ciliary IPT domain containing fibrocystin/polyductin; minus strand). Cytogenetic location: 6p12.2.
Variant type: single nucleotide variant.
Coding change: c.8011C>T on transcript NM_138694.4 (MANE Select); coding-DNA position 8011, C replaced by T.
Protein change: p.Arg2671Ter; replaces arginine 2671 with a stop codon.
Molecular consequence: nonsense.
Genome position (GRCh38, 1-based): chr6:51,847,871, G>A on the plus strand (C>T on the coding strand, the complement: PKHD1 is on the minus strand). VCF-style: chr6-51847871-G-A. GRCh37 (hg19) VCF-style: chr6-51712669-G-A.
Other names: c.8011C>T (NM_170724.2); c.8011C>T, p.Arg2671Ter (NM_170724.3); short protein forms R2671*.
Identifiers: ClinVar variation 4112 (VCV000004112.25), dbSNP rs137852947, ClinGen allele CA253011.